The following is an entry in ClinVar:

ClinVar aggregate classification (germline): Uncertain significance. Review status: criteria provided, multiple submitters, no conflicts (2 of 4 stars). 2 submissions from 2 submitters: Uncertain significance (2). Last evaluated 2024-05-12.

Conditions:
Paroxysmal nonkinesigenic dyskinesia. Also called: Paroxysmal non-kinesigenic dyskinesia. Identifiers: Orphanet 98810, MedGen C1869117, MONDO:0700088.
Inborn genetic diseases. Identifiers: MedGen C0950123, MeSH D030342.

Allele frequency attached by ClinVar (database versions not stated): gnomAD exomes below 0.00001.
gnomAD v4.1: 2 of 1,612,954 alleles (0.00012%); highest among the groups gnomAD compares: East Asian, 0.0022%; no homozygotes.

Submissions (2):

Labcorp Genetics (formerly Invitae), Labcorp
Classification: Uncertain significance for Paroxysmal nonkinesigenic dyskinesia. Last evaluated: 2024-05-12. Review status: criteria provided, single submitter. Criteria: Invitae Variant Classification Sherloc (09022015). Collection method: clinical testing. Allele origin: germline.
Comment: This sequence change replaces aspartic acid, which is acidic and polar, with glutamic acid, which is acidic and polar, at codon 284 of the PNKD protein (p.Asp284Glu). This variant is not present in population databases (gnomAD no frequency). This variant has not been reported in the literature in individuals affected with PNKD-related conditions. ClinVar contains an entry for this variant (Variation ID: 2614693). Advanced modeling of protein sequence and biophysical properties (such as structural, functional, and spatial information, amino acid conservation, physicochemical variation, residue mobility, and thermodynamic stability) performed at Invitae indicates that this missense variant is not expected to disrupt PNKD protein function with a negative predictive value of 80%. In summary, the available evidence is currently insufficient to determine the role of this variant in disease. Therefore, it has been classified as a Variant of Uncertain Significance.

Ambry Genetics
Classification: Uncertain significance for Inborn genetic diseases. Last evaluated: 2023-07-30. Review status: criteria provided, single submitter. Criteria: Ambry Variant Classification Scheme 2023. Collection method: clinical testing. Allele origin: germline.

NM_015488.5(PNKD):c.852C>A (p.Asp284Glu)

Genes: CATIP-AS2 (CATIP antisense RNA 2; minus strand), PNKD (PNKD metallo-beta-lactamase domain containing; plus strand). Cytogenetic location: 2q35.
Variant type: single nucleotide variant.
Coding change: c.852C>A on transcript NM_015488.5 (MANE Select); coding-DNA position 852, C replaced by A.
Protein change: p.Asp284Glu; replaces aspartic acid 284 with glutamic acid.
Molecular consequence: missense variant.
Genome position (GRCh38, 1-based): chr2:218,343,570, C>A. VCF-style: chr2-218343570-C-A. GRCh37 (hg19) VCF-style: chr2-219208293-C-A.
Other names: c.780C>A, p.Asp260Glu (NM_022572.5); short protein forms D284E, D260E.
Identifiers: ClinVar variation 2614693 (VCV002614693.4), dbSNP rs2469471287, ClinGen allele CA350542221.